The following is an entry in ClinVar:

ClinVar aggregate classification (germline): Conflicting classifications of pathogenicity. Review status: criteria provided, conflicting classifications (1 of 4 stars). 2 submissions from 2 submitters: Uncertain significance (1); Benign (1). Last evaluated 2024-03-28.

Conditions:
Inborn genetic diseases. Identifiers: MedGen C0950123, MeSH D030342.
Platelet-type bleeding disorder 9 (BDPLT9). Also called: GLYCOPROTEIN Ia DEFICIENCY; GP Ia DEFICIENCY; COLLAGEN PLATELET RECEPTOR DEFICIENCY. Identifiers: Orphanet 73271, Orphanet 98886, MedGen C3280114, MONDO:0013622, OMIM 614200.

Allele frequency attached by ClinVar (database versions not stated): ESP Exome Variant Server 0.00008.
gnomAD v4.1: 60 of 1,612,268 alleles (0.0037%); highest among the groups gnomAD compares: South Asian, 0.015%; no homozygotes.

Submissions (2):

Ambry Genetics
Classification: Uncertain significance for Inborn genetic diseases. Last evaluated: 2024-03-28. Review status: criteria provided, single submitter. Criteria: Ambry Variant Classification Scheme 2023. Collection method: clinical testing. Allele origin: germline.

Illumina Laboratory Services, Illumina
Classification: Benign for Platelet-type bleeding disorder 9. Last evaluated: 2018-01-13. Review status: criteria provided, single submitter. Criteria: ICSL Variant Classification Criteria 13 December 2019. Collection method: clinical testing. Allele origin: germline.
Comment: This variant was observed in the ICSL laboratory as part of a predisposition screen in an ostensibly healthy population. It had not been previously curated by ICSL or reported in the Human Gene Mutation Database (HGMD: prior to June 1st, 2018), and was therefore a candidate for classification through an automated scoring system. Utilizing variant allele frequency, disease prevalence and penetrance estimates, and inheritance mode, an automated score was calculated to assess if this variant is too frequent to cause the disease. Based on the score and internal cut-off values, a variant classified as benign is not then subjected to further curation. The score for this variant resulted in a classification of benign for this disease.

NM_002203.4(ITGA2):c.1372C>T (p.Arg458Trp)

Gene: ITGA2 (integrin subunit alpha 2; plus strand). Cytogenetic location: 5q11.2.
Variant type: single nucleotide variant.
Coding change: c.1372C>T on transcript NM_002203.4 (MANE Select); coding-DNA position 1372, C replaced by T.
Protein change: p.Arg458Trp; replaces arginine 458 with tryptophan.
Molecular consequence: missense variant. On other transcripts: non-coding transcript variant (5).
Genome position (GRCh38, 1-based): chr5:53,060,960, C>T. VCF-style: chr5-53060960-C-T. GRCh37 (hg19) VCF-style: chr5-52356790-C-T.
Other names: short protein forms R458W.
Identifiers: ClinVar variation 904559 (VCV000904559.5), dbSNP rs377150294, ClinGen allele CA3262887.